The following is an entry in ClinVar:

ClinVar aggregate classification (germline): Uncertain significance. Review status: criteria provided, multiple submitters, no conflicts (2 of 4 stars). 2 submissions from 2 submitters: Uncertain significance (2). Last evaluated 2019-08-26.

Allele frequency attached by ClinVar (database versions not stated): gnomAD exomes 0.00001.
gnomAD v4.1: 19 of 1,614,230 alleles (0.0012%); highest among the groups gnomAD compares: Non-Finnish European, 0.0016%; no homozygotes.

Submissions (2):

Mayo Clinic Laboratories, Mayo Clinic
Classification: Uncertain significance. Last evaluated: 2019-08-26. Review status: criteria provided, single submitter. Criteria: ACMG Guidelines, 2015. Collection method: clinical testing. Allele origin: germline. Observed: 1 variant allele.

GeneDx
Classification: Uncertain significance. Last evaluated: 2016-11-25. Review status: criteria provided, single submitter. Criteria: GeneDx Variant Classification (06012015). Collection method: clinical testing. Allele origin: germline. Affected: yes.
Comment: The A682V variant in the ARHGEF10 gene has not been reported previously as a pathogenic variant, nor as a benign variant, to our knowledge. The A682V variant was not observed in approximately 6500 individuals of European and African American ancestry in the NHLBI Exome Sequencing Project, indicating it is not a common benign variant in these populations. The A682V variant is a conservative amino acid substitution, which is not likely to impact secondary protein structure as these residues share similar properties. Additionally, this substitution occurs at a position that is not conserved and in silico analysis predicts this variant likely does not alter the protein structure/function. We interpret A682V as a variant of uncertain significance.

NM_014629.4(ARHGEF10):c.2045C>T (p.Ala682Val)

Gene: ARHGEF10 (Rho guanine nucleotide exchange factor 10; plus strand). Cytogenetic location: 8p23.3.
Variant type: single nucleotide variant.
Coding change: c.2045C>T on transcript NM_014629.4 (MANE Select); coding-DNA position 2045, C replaced by T.
Protein change: p.Ala682Val; replaces alanine 682 with valine.
Molecular consequence: missense variant.
Genome position (GRCh38, 1-based): chr8:1,909,372, C>T. VCF-style: chr8-1909372-C-T. GRCh37 (hg19) VCF-style: chr8-1857538-C-T.
Other names: c.2045C>T, p.Ala682Val (NM_001308153.3); c.1931C>T, p.Ala644Val (NM_001308152.2); short protein forms A682V, A706V, A644V.
Identifiers: ClinVar variation 373295 (VCV000373295.6), dbSNP rs1057518334, ClinGen allele CA16042616.